The following is an entry in ClinVar:

ClinVar aggregate classification (germline): Likely pathogenic (1 of 4 stars; one submission).

Conditions:
Hepatoencephalopathy due to combined oxidative phosphorylation defect type 1. Also called: HEPATOENCEPHALOPATHY, EARLY FATAL PROGRESSIVE. Identifiers: Orphanet 137681, MedGen C1836797, MONDO:0012191, OMIM 609060.

Submission:

Natera, Inc.
Classification: Likely pathogenic for Combined oxidative phosphorylation deficiency 1. Last evaluated: 2025-08-10. Review status: criteria provided, single submitter. Criteria: Natera Variant Classification Schema (03/2026). Collection method: clinical testing. Allele origin: germline.
Comment: The c.997del variant in GFM1 is a frameshift variant predicted to shift the reading frame beginning at codon 333 and leads to a stop codon 10 codons downstream. This variant is expected to result in nonsense mediated decay, truncation, or a dysfunctional protein product. This variant is rare in the general population with a frequency below the threshold expected for the associated phenotype(s). Given the available evidence, this variant is classified as Likely Pathogenic.

NM_024996.7(GFM1):c.997del (p.Asp333fs)

Gene: GFM1 (G elongation factor mitochondrial 1; plus strand). Cytogenetic location: 3q25.32.
Variant type: Deletion.
Coding change: c.997del on transcript NM_024996.7 (MANE Select); coding-DNA position 997, one base deleted (G; older notation c.997delG).
Protein change: p.Asp333fs; shifts the reading frame from aspartic acid 333.
Molecular consequence: frameshift variant. On other transcripts: non-coding transcript variant (4).
Genome position (GRCh38, 1-based): chr3:158,653,466, G deleted; the last of 2 consecutive G bases (chr3:158,653,465-158,653,466); deleting either gives the same sequence. VCF-style (leftmost placement, unchanged base first): chr3-158653464-AG-A. GRCh37 (hg19) VCF-style: chr3-158371253-AG-A.
Other names: c.1054del, p.Asp352fs (NM_001308164.2, NM_001374355.1); c.997del, p.Asp333fs (NM_001308166.2); c.880del, p.Asp294fs (NM_001374356.1); c.772del, p.Asp258fs (NM_001374357.1); c.538del, p.Asp180fs (NM_001374358.1); c.430del, p.Asp144fs (NM_001374359.1, NM_001374360.1); c.313del, p.Asp105fs (NM_001374361.1); short protein forms D105fs, D144fs, D180fs, D258fs, D294fs, D333fs, D352fs.
Identifiers: ClinVar variation 4816191 (VCV004816191.1).